The following is an entry in ClinVar:

NM_001370100.5(ZMYND11):c.1108C>T (p.Arg370Ter)

Gene: ZMYND11 (zinc finger MYND-type containing 11; plus strand). Cytogenetic location: 10p15.3.
Variant type: single nucleotide variant.
Coding change: c.1108C>T on transcript NM_001370100.5 (MANE Select); coding-DNA position 1108, C replaced by T.
Protein change: p.Arg370Ter; replaces arginine 370 with a stop codon.
Molecular consequence: nonsense. On other transcripts: non-coding transcript variant (1).
Genome position (GRCh38, 1-based): chr10:246,923, C>T. VCF-style: chr10-246923-C-T. GRCh37 (hg19) VCF-style: chr10-292863-C-T.
Other names: c.1030C>T, p.Arg344Ter (NM_001370119.2); c.880C>T, p.Arg294Ter (NM_001370120.2); c.826C>T, p.Arg276Ter (NM_001370121.2); c.802C>T, p.Arg268Ter (NM_001370122.2); c.751C>T, p.Arg251Ter (NM_001370123.2); c.637C>T, p.Arg213Ter (NM_001370124.3); c.1108C>T, p.Arg370Ter (NM_006624.7, NM_001161482.1, NM_001202468.1 and 6 more transcripts); c.1105C>T, p.Arg369Ter (NM_212479.4, NM_001370115.2); and 7 more; short protein forms R213*, R251*, R268*, R276*, R285*, R294*, R315*, R316*.
Identifiers: ClinVar variation 3031612 (VCV003031612.2), dbSNP rs2540009501, ClinGen allele CA375820211.

ClinVar aggregate classification (germline): Likely pathogenic (0 of 4 stars; one submission).

Conditions:
ZMYND11-related disorder. Also called: ZMYND11-related condition.

Submission:

PreventionGenetics, part of Exact Sciences
Classification: Likely pathogenic for ZMYND11-related condition. Last evaluated: 2023-12-06. Review status: no assertion criteria provided. Collection method: clinical testing. Allele origin: germline.
Comment: The ZMYND11 c.1108C>T variant is predicted to result in premature protein termination (p.Arg370*). To our knowledge, this variant has not been reported in the literature or in a large population database, indicating this variant is rare. Nonsense variants in ZMYND11 are expected to be pathogenic. This variant is interpreted as likely pathogenic.